The following is an entry in ClinVar:

NM_032237.5(POMK):c.739A>G (p.Arg247Gly)

Gene: POMK (protein O-mannose kinase; plus strand). Cytogenetic location: 8p11.21.
Variant type: single nucleotide variant.
Coding change: c.739A>G on transcript NM_032237.5 (MANE Select); coding-DNA position 739, A replaced by G.
Protein change: p.Arg247Gly; replaces arginine 247 with glycine.
Molecular consequence: missense variant.
Genome position (GRCh38, 1-based): chr8:43,122,563, A>G. VCF-style: chr8-43122563-A-G. GRCh37 (hg19) VCF-style: chr8-42977706-A-G.
Other names: c.739A>G, p.Arg247Gly (NM_001277971.2); short protein forms R247G.
Identifiers: ClinVar variation 2134500 (VCV002134500.4), dbSNP rs1811943311, ClinGen allele CA371122555.
Genomic context (GRCh38, chr8:43,122,563, plus strand): 5'-GACTTGGACGCCTTACCCCTGGTGAACCACAGCTCCGGGATGCTGGTGAAGTGCGGCCAC[A>G]GGGAGCTGCATGGGGATTTCGTGGCTCCAGAGCAACTGTGGCCCTATGGAGAGGACGTGC-3'
Protein context (NP_115613.1, residues 237-257): SSGMLVKCGH[Arg247Gly]ELHGDFVAPE

ClinVar aggregate classification (germline): Uncertain significance (1 of 4 stars; one submission).

Conditions:
Muscular dystrophy-dystroglycanopathy (congenital with brain and eye anomalies), type a, 12 (MDDGA12). Also called: WALKER-WARBURG SYNDROME OR MUSCLE-EYE-BRAIN DISEASE, POMK-RELATED. Identifiers: Orphanet 899, MedGen C3808964, MONDO:0014101, OMIM 615249.
Limb-girdle muscular dystrophy due to POMK deficiency. Also called: MUSCULAR DYSTROPHY-DYSTROGLYCANOPATHY, LIMB-GIRDLE, POMK-RELATED; Muscular dystrophy-dystroglycanopathy (limb-girdle), type c, 12. Identifiers: Orphanet 445110, MedGen C4015184, MONDO:0014489, OMIM 616094.

Submission:

Labcorp Genetics (formerly Invitae), Labcorp
Classification: Uncertain significance for Muscular dystrophy-dystroglycanopathy (congenital with brain and eye anomalies), type a, 12; Limb-girdle muscular dystrophy due to POMK deficiency. Last evaluated: 2025-04-07. Review status: criteria provided, single submitter. Criteria: Invitae Variant Classification Sherloc (09022015). Collection method: clinical testing. Allele origin: germline.
Comment: This sequence change replaces arginine, which is basic and polar, with glycine, which is neutral and non-polar, at codon 247 of the POMK protein (p.Arg247Gly). This variant is not present in population databases (gnomAD no frequency). This variant has not been reported in the literature in individuals affected with POMK-related conditions. ClinVar contains an entry for this variant (Variation ID: 2134500). Invitae Evidence Modeling of protein sequence and biophysical properties (such as structural, functional, and spatial information, amino acid conservation, physicochemical variation, residue mobility, and thermodynamic stability) indicates that this missense variant is not expected to disrupt POMK protein function with a negative predictive value of 80%. In summary, the available evidence is currently insufficient to determine the role of this variant in disease. Therefore, it has been classified as a Variant of Uncertain Significance.